The following is an entry in ClinVar:

NM_001099403.2(PRDM8):c.192C>A (p.Asp64Glu)

Gene: PRDM8 (PR/SET domain 8; plus strand). Cytogenetic location: 4q21.21.
Variant type: single nucleotide variant.
Coding change: c.192C>A on transcript NM_001099403.2 (MANE Select); coding-DNA position 192, C replaced by A.
Protein change: p.Asp64Glu; replaces aspartic acid 64 with glutamic acid.
Molecular consequence: missense variant.
Genome position (GRCh38, 1-based): chr4:80,200,272, C>A. VCF-style: chr4-80200272-C-A. GRCh37 (hg19) VCF-style: chr4-81121426-C-A.
Other names: c.192C>A, p.Asp64Glu (NM_020226.4); short protein forms D64E.
Identifiers: ClinVar variation 1515481 (VCV001515481.8), dbSNP rs1353802596, ClinGen allele CA357391954.

ClinVar aggregate classification (germline): Uncertain significance (1 of 4 stars; one submission).

Conditions:
Early-onset Lafora body disease. Also called: Epilepsy, progressive myoclonic, 10. Identifiers: Orphanet 324290, MedGen C4225258, MONDO:0014717, OMIM 616640.

Allele frequency attached by ClinVar (database versions not stated): gnomAD exomes below 0.00001.
gnomAD v4.1: 2 of 1,613,862 alleles (0.00012%); highest among the groups gnomAD compares: Non-Finnish European, 0.00017%; no homozygotes.

Submission:

Labcorp Genetics (formerly Invitae), Labcorp
Classification: Uncertain significance for Early-onset Lafora body disease. Last evaluated: 2021-02-16. Review status: criteria provided, single submitter. Criteria: Invitae Variant Classification Sherloc (09022015). Collection method: clinical testing. Allele origin: germline.
Comment: In summary, the available evidence is currently insufficient to determine the role of this variant in disease. Therefore, it has been classified as a Variant of Uncertain Significance. Algorithms developed to predict the effect of missense changes on protein structure and function (SIFT, PolyPhen-2, Align-GVGD) all suggest that this variant is likely to be tolerated, but these predictions have not been confirmed by published functional studies and their clinical significance is uncertain. This variant has not been reported in the literature in individuals with PRDM8-related conditions. This variant is not present in population databases (ExAC no frequency). This sequence change replaces aspartic acid with glutamic acid at codon 64 of the PRDM8 protein (p.Asp64Glu). The aspartic acid residue is highly conserved and there is a small physicochemical difference between aspartic acid and glutamic acid.